The following is an entry in ClinVar:

ClinVar aggregate classification (germline): Uncertain significance (1 of 4 stars; one submission).

Conditions:
FAT1-related disorder. Also called: FAT1-related condition.

Submission:

PreventionGenetics, part of Exact Sciences
Classification: Uncertain significance for FAT1-related condition. Last evaluated: 2023-05-03. Review status: criteria provided, single submitter. Criteria: ACMG Guidelines, 2015. Collection method: clinical testing. Allele origin: germline.
Comment: The FAT1 c.10147T>C variant is predicted to result in the amino acid substitution p.Phe3383Leu. To our knowledge, this variant has not been reported in the literature or in a large population database, indicating this variant is rare. At this time, the clinical significance of this variant is uncertain due to the absence of conclusive functional and genetic evidence.

NM_005245.4(FAT1):c.10147T>C (p.Phe3383Leu)

Gene: FAT1 (FAT atypical cadherin 1; minus strand). Cytogenetic location: 4q35.2.
Variant type: single nucleotide variant.
Coding change: c.10147T>C on transcript NM_005245.4 (MANE Select); coding-DNA position 10147, T replaced by C.
Protein change: p.Phe3383Leu; replaces phenylalanine 3383 with leucine.
Molecular consequence: missense variant.
Genome position (GRCh38, 1-based): chr4:186,609,242, A>G on the plus strand (T>C on the coding strand, the complement: FAT1 is on the minus strand). VCF-style: chr4-186609242-A-G. GRCh37 (hg19) VCF-style: chr4-187530396-A-G.
Other names: short protein forms F3383L.
Identifiers: ClinVar variation 2632985 (VCV002632985.1), dbSNP rs2126456766, ClinGen allele CA358953921.